The following is an entry in ClinVar:

NM_001614.5(ACTG1):c.124-6C>T

Gene: ACTG1 (actin gamma 1; minus strand). Cytogenetic location: 17q25.3.
Variant type: single nucleotide variant.
Coding change: c.124-6C>T on transcript NM_001614.5 (MANE Select); 6 bases into the intron before coding-DNA position 124, C replaced by T.
Molecular consequence: intron variant.
Genome position (GRCh38, 1-based): chr17:81,512,148, G>A on the plus strand (C>T on the coding strand, the complement: ACTG1 is on the minus strand). VCF-style: chr17-81512148-G-A. GRCh37 (hg19) VCF-style: chr17-79479174-G-A.
Other names: c.124-6C>T (NM_001199954.3).
Identifiers: ClinVar variation 2087147 (VCV002087147.6), dbSNP rs373618606, ClinGen allele CA8836347.

ClinVar aggregate classification (germline): Conflicting classifications of pathogenicity. Review status: criteria provided, conflicting classifications (1 of 4 stars). 3 submissions from 3 submitters: Uncertain significance (1); Likely benign (2). Last evaluated 2025-03-12.

Conditions:
Baraitser-winter syndrome 2. Identifiers: Orphanet 2995, MedGen C3281235, MONDO:0013812, OMIM 614583.
Autosomal dominant nonsyndromic hearing loss 20. Identifiers: Orphanet 90635, MedGen C1858172, MONDO:0011480, OMIM 604717.
ACTG1-related disorder. Also called: ACTG1-related condition; ACTG1-related disorders.
Inborn genetic diseases. Identifiers: MedGen C0950123, MeSH D030342.

Allele frequency attached by ClinVar (database versions not stated): ExAC 0.00001; gnomAD exomes 0.00001; ESP Exome Variant Server 0.00008.
gnomAD v4.1: 18 of 1,613,408 alleles (0.0011%); highest among the groups gnomAD compares: African/African-American, 0.021%; no homozygotes.

Submissions (3):

Labcorp Genetics (formerly Invitae), Labcorp
Classification: Likely benign for Baraitser-winter syndrome 2; Autosomal dominant nonsyndromic hearing loss 20. Last evaluated: 2025-03-12. Review status: criteria provided, single submitter. Criteria: Invitae Variant Classification Sherloc (09022015). Collection method: clinical testing. Allele origin: germline.

PreventionGenetics, part of Exact Sciences
Classification: Likely benign for ACTG1-related condition. Last evaluated: 2024-12-26. Review status: criteria provided, single submitter. Criteria: ACMG Guidelines, 2015. Collection method: clinical testing. Allele origin: germline.
Comment: This variant is classified as likely benign based on ACMG/AMP sequence variant interpretation guidelines (Richards et al. 2015 PMID: 25741868, with internal and published modifications).

Ambry Genetics
Classification: Uncertain significance for Inborn genetic diseases. Last evaluated: 2022-08-05. Review status: criteria provided, single submitter. Criteria: Ambry Variant Classification Scheme 2023. Collection method: clinical testing. Allele origin: germline.
Comment: The c.124-6C>T intronic alteration consists of a C to T substitution 6 nucleotides before coding exon 2 in the ACTG1 gene. Based on insufficient or conflicting evidence, the clinical significance of this alteration remains unclear.